The following is an entry in ClinVar:

ClinVar aggregate classification (germline): Conflicting classifications of pathogenicity. Review status: criteria provided, conflicting classifications (1 of 4 stars). 3 submissions from 3 submitters: Uncertain significance (2); Likely benign (1). Last evaluated 2026-02-11.

Conditions:
GALNS-related disorder. Also called: GALNS-related condition.
Inborn genetic diseases. Identifiers: MedGen C0950123, MeSH D030342.

gnomAD v4.1: 104 of 1,584,002 alleles (0.0066%); highest among the groups gnomAD compares: South Asian, 0.04%; no homozygotes.

Submissions (3):

PreventionGenetics, part of Exact Sciences
Classification: Uncertain significance for GALNS-related condition. Last evaluated: 2026-02-11. Review status: criteria provided, single submitter. Criteria: ACMG Guidelines, 2015. Collection method: clinical testing. Allele origin: germline.
Comment: The GALNS c.892G>A variant is predicted to result in the amino acid substitution p.Glu298Lys. To our knowledge, this variant has not been reported in the literature. This variant is reported in 0.049% of alleles in individuals of South Asian descent in gnomAD. At this time, the clinical significance of this variant is uncertain due to the absence of conclusive functional and genetic evidence.

Mayo Clinic Laboratories, Mayo Clinic
Classification: Uncertain significance. Last evaluated: 2025-08-14. Review status: criteria provided, single submitter. Criteria: ACMG Guidelines, 2015. Collection method: clinical testing. Allele origin: germline. Observed: 1 variant allele.
Comment: BP4

Ambry Genetics
Classification: Likely benign for Inborn genetic diseases. Last evaluated: 2024-10-01. Review status: criteria provided, single submitter. Criteria: Ambry Variant Classification Scheme 2023. Collection method: clinical testing. Allele origin: germline.

NM_000512.5(GALNS):c.892G>A (p.Glu298Lys)

Gene: GALNS (galactosamine (N-acetyl)-6-sulfatase; minus strand). Cytogenetic location: 16q24.3.
Variant type: single nucleotide variant.
Coding change: c.892G>A on transcript NM_000512.5 (MANE Select); coding-DNA position 892, G replaced by A.
Protein change: p.Glu298Lys; replaces glutamic acid 298 with lysine.
Molecular consequence: missense variant.
Genome position (GRCh38, 1-based): chr16:88,835,219, C>T on the plus strand (G>A on the coding strand, the complement: GALNS is on the minus strand). VCF-style: chr16-88835219-C-T. GRCh37 (hg19) VCF-style: chr16-88901627-C-T.
Other names: p.Glu298Lys; c.337G>A, p.Glu113Lys (NM_001323543.2); c.910G>A, p.Glu304Lys (NM_001323544.2); short protein forms E298K, E113K, E304K.
Identifiers: ClinVar variation 3518413 (VCV003518413.3).
Genomic context (GRCh38, chr16:88,835,219, plus strand): 5'-TTCGCTGACACGCTGGCTGTGGGGAAACCGTGAGAAGTGACAGCGAGCACTCACCTTGTT[C>T]GGGGGCGGAAATGAGGGCAGCGCCGTTGTCCGACGTGAAGAAGACGAAGGTGTTGTCCGC-3'
Protein context (NP_000503.1, residues 288-308): DNGAALISAP[Glu298Lys]QGGSNGPFLC